The following is an entry in ClinVar:

NM_006648.4(WNK2):c.5451A>C (p.Arg1817Ser)

Gene: WNK2 (WNK lysine deficient protein kinase 2; plus strand). Cytogenetic location: 9q22.31.
Variant type: single nucleotide variant.
Coding change: c.5451A>C on transcript NM_006648.4 (MANE Select); coding-DNA position 5451, A replaced by C.
Protein change: p.Arg1817Ser; replaces arginine 1817 with serine.
Molecular consequence: missense variant.
Genome position (GRCh38, 1-based): chr9:93,292,916, A>C. VCF-style: chr9-93292916-A-C. GRCh37 (hg19) VCF-style: chr9-96055198-A-C.
Other names: c.5562A>C, p.Arg1854Ser (NM_001282394.3); short protein forms R1854S, R1817S.
Identifiers: ClinVar variation 3817110 (VCV003817110.1).

ClinVar aggregate classification (germline): Uncertain significance (1 of 4 stars; one submission).

Submission:

Ambry Genetics
Classification: Uncertain significance. Last evaluated: 2025-02-19. Review status: criteria provided, single submitter. Criteria: Ambry Variant Classification Scheme 2023. Collection method: clinical testing. Allele origin: germline.
Comment: The p.R1817S variant (also known as c.5451A>C), located in coding exon 22 of the WNK2 gene, results from an A to C substitution at nucleotide position 5451. The arginine at codon 1817 is replaced by serine, an amino acid with dissimilar properties. This amino acid position is conserved. In addition, this alteration is predicted to be tolerated by in silico analysis. Based on the available evidence, the clinical significance of this variant remains unclear.